The following is an entry in ClinVar:

ClinVar aggregate classification (germline): Uncertain significance (1 of 4 stars; one submission).

Submission:

Labcorp Genetics (formerly Invitae), Labcorp
Classification: Uncertain significance. Last evaluated: 2025-11-27. Review status: criteria provided, single submitter. Criteria: Invitae Variant Classification Sherloc (09022015). Collection method: clinical testing. Allele origin: germline.
Comment: This sequence change replaces glycine, which is neutral and non-polar, with aspartic acid, which is acidic and polar, at codon 1094 of the ARID1B protein (p.Gly1094Asp). This variant is not present in population databases (gnomAD no frequency). This variant has not been reported in the literature in individuals affected with ARID1B-related conditions. Invitae Evidence Modeling of protein sequence and biophysical properties (such as structural, functional, and spatial information, amino acid conservation, physicochemical variation, residue mobility, and thermodynamic stability) indicates that this missense variant is not expected to disrupt ARID1B protein function with a negative predictive value of 95%. In summary, the available evidence is currently insufficient to determine the role of this variant in disease. Therefore, it has been classified as a Variant of Uncertain Significance.

NM_001374828.1(ARID1B):c.3650G>A (p.Gly1217Asp)

Gene: ARID1B (AT-rich interaction domain 1B; plus strand). Cytogenetic location: 6q25.3.
Variant type: single nucleotide variant.
Coding change: c.3650G>A on transcript NM_001374828.1 (MANE Select); coding-DNA position 3650, G replaced by A.
Protein change: p.Gly1217Asp; replaces glycine 1217 with aspartic acid.
Molecular consequence: missense variant.
Genome position (GRCh38, 1-based): chr6:157,181,114, G>A. VCF-style: chr6-157181114-G-A. GRCh37 (hg19) VCF-style: chr6-157502248-G-A.
Other names: c.1151G>A, p.Gly384Asp (NM_001363725.2); c.3530G>A, p.Gly1177Asp (NM_001371656.1, NM_001374820.1); c.3779G>A, p.Gly1260Asp (NM_001438482.1); c.3692G>A, p.Gly1231Asp (NM_001438483.1); c.3560G>A, p.Gly1187Asp (NM_001438485.1); c.3533G>A, p.Gly1178Asp (NM_001438486.1); c.3470G>A, p.Gly1157Asp (NM_001438487.1); c.992G>A, p.Gly331Asp (NM_001438488.1); and 1 more; short protein forms G1157D, G1164D, G1177D, G1178D, G1187D, G1217D, G1231D, G1260D.
Identifiers: ClinVar variation 4801399 (VCV004801399.1).